The following is an entry in ClinVar:

ClinVar aggregate classification (germline): Uncertain significance (1 of 4 stars; one submission).

gnomAD v4.1: 5 of 1,613,602 alleles (0.00031%); highest among the groups gnomAD compares: Non-Finnish European, 0.00042%; no homozygotes.

Submission:

Ambry Genetics
Classification: Uncertain significance. Last evaluated: 2024-11-30. Review status: criteria provided, single submitter. Criteria: Ambry Variant Classification Scheme 2023. Collection method: clinical testing. Allele origin: germline.
Comment: The p.P2191R variant (also known as c.6572C>G), located in coding exon 28 of the WNK2 gene, results from a C to G substitution at nucleotide position 6572. The proline at codon 2191 is replaced by arginine, an amino acid with dissimilar properties. This amino acid position is conserved. In addition, this alteration is predicted to be tolerated by in silico analysis. Based on the available evidence, the clinical significance of this variant remains unclear.

NM_006648.4(WNK2):c.6572C>G (p.Pro2191Arg)

Gene: WNK2 (WNK lysine deficient protein kinase 2; plus strand). Cytogenetic location: 9q22.31.
Variant type: single nucleotide variant.
Coding change: c.6572C>G on transcript NM_006648.4 (MANE Select); coding-DNA position 6572, C replaced by G.
Protein change: p.Pro2191Arg; replaces proline 2191 with arginine.
Molecular consequence: missense variant.
Genome position (GRCh38, 1-based): chr9:93,317,575, C>G. VCF-style: chr9-93317575-C-G. GRCh37 (hg19) VCF-style: chr9-96079857-C-G.
Other names: c.6683C>G, p.Pro2228Arg (NM_001282394.3); short protein forms P2191R, P2228R.
Identifiers: ClinVar variation 3470533 (VCV003470533.1).